The following is an entry in ClinVar:

ClinVar aggregate classification (germline): Benign (0 of 4 stars; one submission).

Conditions:
SMARCAD1-related disorder. Also called: SMARCAD1-related condition.

Allele frequency attached by ClinVar (database versions not stated): gnomAD exomes 0.00041; gnomAD 0.00075; TOPMed 0.00117; ExAC 0.00148; 1000 Genomes Project 30x 0.00422; 1000 Genomes Project 0.00479.
gnomAD v4.1: 729 of 1,611,280 alleles (0.045%); highest among the groups gnomAD compares: East Asian, 1.4%; 5 homozygotes.

Submission:

PreventionGenetics, part of Exact Sciences
Classification: Benign for SMARCAD1-related condition. Last evaluated: 2019-09-19. Review status: no assertion criteria provided. Collection method: clinical testing. Allele origin: germline.
Comment: This variant is classified as benign based on ACMG/AMP sequence variant interpretation guidelines (Richards et al. 2015 PMID: 25741868, with internal and published modifications).

NM_020159.5(SMARCAD1):c.2625A>G (p.Leu875=)

Gene: SMARCAD1 (SNF2 related chromatin remodeling ATPase with DExD box 1; plus strand). Cytogenetic location: 4q22.3.
Variant type: single nucleotide variant.
Coding change: c.2625A>G on transcript NM_020159.5 (MANE Select); coding-DNA position 2625, A replaced by G.
Protein change: p.Leu875=; no amino-acid change (leucine 875 retained).
Molecular consequence: synonymous variant. On other transcripts: non-coding transcript variant (16).
Genome position (GRCh38, 1-based): chr4:94,281,489, A>G. VCF-style: chr4-94281489-A-G. GRCh37 (hg19) VCF-style: chr4-95202640-A-G.
Other names: c.2631A>G, p.Leu877= (NM_001128429.3, NM_001128430.2); c.1335A>G, p.Leu445= (NM_001254949.2); c.2625A>G, p.Leu875= (NM_001375855.1, NM_001375856.1); c.2622A>G, p.Leu874= (NM_001375857.1); c.2604A>G, p.Leu868= (NM_001375858.1); c.1341A>G, p.Leu447= (NM_001375859.1).
Identifiers: ClinVar variation 3040114 (VCV003040114.2), dbSNP rs145680198, ClinGen allele CA3013611.